The following is an entry in ClinVar:

ClinVar aggregate classification (germline): Uncertain significance (1 of 4 stars; one submission).

Submission:

GeneDx
Classification: Uncertain significance. Last evaluated: 2020-02-16. Review status: criteria provided, single submitter. Criteria: GeneDx Variant Classification Process June 2021. Collection method: clinical testing. Allele origin: germline. Affected: yes.
Comment: Not observed in large population cohorts (Lek et al., 2016); Frameshift variant predicted to result in protein truncation or nonsense mediated decay in a gene for which loss-of-function is not a known mechanism of disease; Has not been previously published as pathogenic or benign to our knowledge; Variants in candidate genes are classified as variants of uncertain significance in accordance with ACMG guidelines (Richards et al., 2015)

NM_021096.4(CACNA1I):c.3338_3344dup (p.Glu1117fs)

Gene: CACNA1I (calcium voltage-gated channel subunit alpha1 I; plus strand). Cytogenetic location: 22q13.1.
Variant type: Duplication.
Coding change: c.3338_3344dup on transcript NM_021096.4 (MANE Select); coding-DNA positions 3338 to 3344, 7 bases duplicated (GGGATCG; older notation c.3338_3344dupGGGATCG).
Protein change: p.Glu1117fs; shifts the reading frame from glutamic acid 1117.
Molecular consequence: frameshift variant.
Genome position (GRCh38, 1-based): chr22:39,662,401-39,662,407, GGGATCG duplicated; duplicating any 7 consecutive bases within chr22:39,662,399-39,662,407 gives the same sequence; the c. name uses the placement nearest the transcript's 3' end. VCF-style (leftmost placement, unchanged base first): chr22-39662398-G-GCGGGGAT. GRCh37 (hg19) VCF-style: chr22-40058403-G-GCGGGGAT.
Other names: c.3233_3239dup, p.Glu1082fs (NM_001003406.2); short protein forms E1082fs, E1117fs.
Identifiers: ClinVar variation 1315338 (VCV001315338.2), dbSNP rs2146450935, ClinGen allele CA2573055016.